The following is an entry in ClinVar:

NM_000368.5(TSC1):c.2047CCT[1] (p.Pro684del)

Gene: TSC1 (TSC complex subunit 1; minus strand). Cytogenetic location: 9q34.13.
Variant type: Microsatellite.
Coding change: c.2047CCT[1] on transcript NM_000368.5 (MANE Select); one copy of the 3-base unit CCT starting at c.2047; the reference has two copies in a row; one copy, 3 bases deleted; also written c.2050_2052del.
Protein change: p.Pro684del; deletes proline 684.
Molecular consequence: inframe deletion.
Genome position (GRCh38, 1-based): chr9:132,903,807-132,903,809, AGG deleted on the plus strand (CCT on the coding strand, the reverse complement: TSC1 is on the minus strand); deleting any 3 consecutive bases within chr9:132,903,807-132,903,814 gives the same sequence; the position shown is the placement nearest the transcript's 3' end. VCF-style (leftmost placement, unchanged base first): chr9-132903806-AAGG-A. GRCh37 (hg19) VCF-style: chr9-135779193-AAGG-A.
Other names: c.2050_2052del (NM_000368.4, NM_000368.5); c.2044CCT[1], p.Pro683del (NM_001162426.2); c.1894CCT[1], p.Pro633del (NM_001162427.2); c.1684CCT[1], p.Pro563del (NM_001362177.2); short protein forms P684del, P633del, P563del, P683del.
Identifiers: ClinVar variation 64733 (VCV000064733.19), dbSNP rs397514799, ClinGen allele CA005857.
Genomic context (GRCh38, chr9:132,903,806, plus strand): 5'-CATAGAGTAACTGGTTGTGCAGTAAAAGCAACTGGTCTCGGAGGGTGCGGATCTCATCTG[AAGG>A]AGGAGAGCCTGATTGTAAAGCAGAGGGAGGGTGGCAGAAATGCCTTTTACAGATGGTTCA-3'

ClinVar aggregate classification (germline): Uncertain significance. Review status: criteria provided, multiple submitters, no conflicts (2 of 4 stars). 6 submissions from 6 submitters: Uncertain significance (5). 1 of the submissions does not count toward it. Last evaluated 2026-03-01.

Conditions:
Hereditary cancer-predisposing syndrome. Also called: Hereditary Cancer Syndrome; Tumor predisposition; Neoplastic Syndromes, Hereditary; Hereditary neoplastic syndrome. Identifiers: Orphanet 140162, MedGen C0027672, MeSH D009386, MONDO:0015356.
Tuberous sclerosis syndrome (TSC). Also called: Tuberous Sclerosis Complex; Tuberous sclerosis. Identifiers: Orphanet 805, MedGen C0041341, MONDO:0001734.
Isolated focal cortical dysplasia type II (FCORD2). Also called: CORTICAL DYSPLASIA OF TAYLOR; Focal cortical dysplasia type II. Identifiers: Orphanet 268994, MedGen C1846385, MONDO:0011818, OMIM 607341, HP:0032051.
Tuberous sclerosis 1 (TSC1). Identifiers: Orphanet 805, MedGen C1854465, MONDO:0008612, OMIM 191100.

Submissions (6):

CeGaT Center for Human Genetics Tuebingen
Classification: Uncertain significance. Last evaluated: 2026-03-01. Review status: criteria provided, single submitter. Criteria: CeGaT Center For Human Genetics Tuebingen Variant Classification Criteria Version 2. Collection method: clinical testing. Allele origin: germline. Affected: yes. Observed: 1 variant allele.
Comment: TSC1: PM2:Supporting, PM4:Supporting

Color Diagnostics, LLC DBA Color Health
Classification: Uncertain significance for Tuberous sclerosis syndrome. Last evaluated: 2025-06-02. Review status: criteria provided, single submitter. Criteria: ACMG Guidelines, 2015. Collection method: clinical testing. Allele origin: germline.
Comment: This variant causes an in-frame deletion of one amino acid at exon 17 in the TSC1 protein. To our knowledge, functional studies have not been reported for this variant. This variant has not been reported in individuals affected with TSC1-related disorders in the literature. This variant has been identified in 1/251062 chromosomes in the general population by the Genome Aggregation Database (gnomAD). The available evidence is insufficient to determine the role of this variant in disease conclusively. Therefore, this variant is classified as a Variant of Uncertain Significance.

Labcorp Genetics (formerly Invitae), Labcorp
Classification: Uncertain significance for Tuberous sclerosis 1. Last evaluated: 2024-10-28. Review status: criteria provided, single submitter. Criteria: Invitae Variant Classification Sherloc (09022015). Collection method: clinical testing. Allele origin: germline.
Comment: This variant, c.2050_2052del, results in the deletion of 1 amino acid(s) of the TSC1 protein (p.Pro684del), but otherwise preserves the integrity of the reading frame. This variant is present in population databases (rs397514799, gnomAD 0.0009%). This variant has not been reported in the literature in individuals affected with TSC1-related conditions. ClinVar contains an entry for this variant (Variation ID: 64733). RNA analysis performed to evaluate the impact of this variant on mRNA splicing indicates it does not significantly alter splicing (internal data). In summary, the available evidence is currently insufficient to determine the role of this variant in disease. Therefore, it has been classified as a Variant of Uncertain Significance.

Ambry Genetics
Classification: Uncertain significance for Hereditary cancer-predisposing syndrome. Last evaluated: 2024-01-03. Review status: criteria provided, single submitter. Criteria: Ambry Variant Classification Scheme 2023. Collection method: clinical testing. Allele origin: germline.
Comment: The c.2050_2052delCCT variant (also known as p.P684del) is located in coding exon 15 of the TSC1 gene. This variant results from an in-frame CCT deletion at nucleotide positions 2050 to 2052. This results in the in-frame deletion of a proline at codon 684. This amino acid position is highly conserved in available vertebrate species. In addition, the in silico prediction for this alteration is inconclusive (Choi Y et al. PLoS ONE. 2012; 7(10):e46688). Since supporting evidence is limited at this time, the clinical significance of this alteration remains unclear.

Baylor Genetics
Classification: Uncertain significance for Isolated focal cortical dysplasia type II. Last evaluated: 2023-08-05. Review status: criteria provided, single submitter. Criteria: ACMG Guidelines, 2015. Collection method: clinical testing. Allele origin: unknown.

Tuberous sclerosis database (TSC1)
No classification provided. Condition: TSC. Review status: no classification provided. Criteria: Tuberous Sclerosis Database Assertion Criteria 2015. Collection method: curation. Allele origin: germline. Affected: yes. Not counted in ClinVar's aggregate classification.